The following is an entry in ClinVar:

ClinVar aggregate classification (germline): Pathogenic. Review status: criteria provided, multiple submitters, no conflicts (2 of 4 stars). 5 submissions from 5 submitters: Pathogenic (5). Last evaluated 2025-10-29.

Conditions:
Hereditary spastic paraplegia 7 (SPG7). Also called: SPASTIC PARAPLEGIA 7, AUTOSOMAL RECESSIVE, WITH OR WITHOUT CEREBELLAR ATAXIA; Spastic paraplegia 7; Hereditary spastic paraplegia Paraplegin type; Autosomal recessive spastic paraplegia type 7; SPG7-related neurologic disorder. Identifiers: Orphanet 99013, MedGen C1846564, MONDO:0011803, OMIM 607259.
Hereditary spastic paraplegia. Also called: Familial spastic paraparesis. Identifiers: Orphanet 685, MedGen C0037773, MONDO:0019064. Disease mechanism: loss of function.

Allele frequency attached by ClinVar (database versions not stated): gnomAD exomes below 0.00001 and 0.00001; gnomAD 0.00001; TOPMed 0.00002.
gnomAD v4.1: 15 of 1,613,432 alleles (0.00093%); highest among the groups gnomAD compares: African/African-American, 0.004%; no homozygotes.

Submissions (5):

Victorian Clinical Genetics Services, Murdoch Childrens Research Institute
Classification: Pathogenic for Hereditary spastic paraplegia 7. Last evaluated: 2025-10-29. Review status: criteria provided, single submitter. Criteria: ACMG Guidelines, 2015. Collection method: clinical testing. Allele origin: germline. Affected: yes.
Comment: This variant is classified as Pathogenic. Evidence in support of pathogenic classification: Variant is predicted to cause nonsense-mediated decay (NMD) and loss of protein (premature termination codon is located at least 54 nucleotides upstream of the final exon-exon junction); Variant is present in gnomAD <0.01 (v4: 15 heterozygote(s), 0 homozygote(s)) ; This variant has moderate previous evidence of pathogenicity in unrelated individuals. This variant has been classified several times as pathogenic by a clinical laboratory in ClinVar; Other NMD-predicted variants comparable to the one identified in this case have very strong previous evidence for pathogenicity (DECIPHER). Additional information: This variant is heterozygous; This gene is associated with both recessive and dominant disease. This gene is associated with autosomal recessive spastic paraplegia 7 and autosomal dominant optical atrophy (PMIDs: 31854126, 32548275); Loss of function is a known mechanism of disease in this gene and is associated with spastic paraplegia 7 (MIM#607259) and optical atrophy (MONDO#0003608); Heterozygous variant detected in trans with a second PATHOGENIC heterozygous variant (NM_003119.4(SPG7):c.1529C>T; p.(Ala510Val)) in a recessive disease; Inheritance information for this variant is not currently available in this individual.

Fulgent Genetics
Classification: Pathogenic for Hereditary spastic paraplegia 7. Last evaluated: 2022-02-10. Review status: criteria provided, single submitter. Criteria: ACMG Guidelines, 2015. Collection method: clinical testing. Allele origin: unknown.

PROSPAX: an integrated multimodal progression  chart in spastic ataxias, Center for Neurology; Hertie-Institute for Clinical Brain Research
Classification: Pathogenic for Hereditary spastic paraplegia 7. Last evaluated: 2022-01-01. Review status: criteria provided, single submitter. Criteria: ACMG Guidelines, 2015. Collection method: research. Allele origin: germline. Affected: yes.
Comment: Variant seen in compound het: [c.1519C>T;c.1529C>T],[c.1552+1G>T;c.1519C>T],[c.1529C>T;c.1519C>T],[c.1519C>T;c.1676del;c.1519C>T;c.1676del],[c.1519C>T;c.1676del;c.1519C>T;c.1676del]

Genome Diagnostics Laboratory, The Hospital for Sick Children
Classification: Pathogenic for Hereditary spastic paraplegia. Last evaluated: 2018-03-01. Review status: criteria provided, single submitter. Criteria: ACMG Guidelines, 2015. Collection method: clinical testing. Allele origin: germline. Affected: yes.

Paris Brain Institute, Inserm - ICM
Classification: Pathogenic for Hereditary spastic paraplegia 7. Review status: criteria provided, single submitter. Criteria: ACMG Guidelines, 2015. Collection method: clinical testing. Allele origin: unknown. Affected: yes. Observed: 2 variant alleles.

Literature cited by the submitters: PubMed 31854126 (cited by Victorian Clinical Genetics Services, Murdoch Childrens Research Institute); PubMed 32548275 (cited by Victorian Clinical Genetics Services, Murdoch Childrens Research Institute).

NM_003119.4(SPG7):c.1519C>T (p.Gln507Ter)

Gene: SPG7 (SPG7 matrix AAA peptidase subunit, paraplegin; plus strand). Cytogenetic location: 16q24.3.
Variant type: single nucleotide variant.
Coding change: c.1519C>T on transcript NM_003119.4 (MANE Select); coding-DNA position 1519, C replaced by T.
Protein change: p.Gln507Ter; replaces glutamine 507 with a stop codon.
Molecular consequence: nonsense.
Genome position (GRCh38, 1-based): chr16:89,546,727, C>T. VCF-style: chr16-89546727-C-T. GRCh37 (hg19) VCF-style: chr16-89613135-C-T.
Other names: c.1519C>T, p.Gln507Ter (NM_001363850.1); c.1519C>T (NM_003119.3, NM_003119.2); short protein forms Q507*.
Identifiers: ClinVar variation 989123 (VCV000989123.7), dbSNP rs1482442290, ClinGen allele CA397426551.